The following is an entry in ClinVar:

ClinVar aggregate classification (germline): Uncertain significance. Review status: criteria provided, multiple submitters, no conflicts (2 of 4 stars). 2 submissions from 2 submitters: Uncertain significance (2). Last evaluated 2025-06-07.

Conditions:
Nemaline myopathy 10 (NEM10). Identifiers: MedGen C4015360, MONDO:0014513, OMIM 616165.
Inborn genetic diseases. Identifiers: MedGen C0950123, MeSH D030342.

Allele frequency attached by ClinVar (database versions not stated): gnomAD 0.00001; 1000 Genomes Project 0.00020; 1000 Genomes Project 30x 0.00016; gnomAD exomes below 0.00001.

Submissions (2):

Ambry Genetics
Classification: Uncertain significance for Inborn genetic diseases. Last evaluated: 2025-06-07. Review status: criteria provided, single submitter. Criteria: Ambry Variant Classification Scheme 2023. Collection method: clinical testing. Allele origin: germline.

Labcorp Genetics (formerly Invitae), Labcorp
Classification: Uncertain significance for Nemaline myopathy 10. Last evaluated: 2022-07-09. Review status: criteria provided, single submitter. Criteria: Invitae Variant Classification Sherloc (09022015). Collection method: clinical testing. Allele origin: germline.
Comment: This sequence change replaces glutamic acid, which is acidic and polar, with alanine, which is neutral and non-polar, at codon 558 of the LMOD3 protein (p.Glu558Ala). This variant is present in population databases (rs562551827, gnomAD 0.003%). This variant has not been reported in the literature in individuals affected with LMOD3-related conditions. ClinVar contains an entry for this variant (Variation ID: 1406409). Algorithms developed to predict the effect of missense changes on protein structure and function (SIFT, PolyPhen-2, Align-GVGD) all suggest that this variant is likely to be tolerated. In summary, the available evidence is currently insufficient to determine the role of this variant in disease. Therefore, it has been classified as a Variant of Uncertain Significance.

NM_198271.5(LMOD3):c.1673A>C (p.Glu558Ala)

Gene: LMOD3 (leiomodin 3; minus strand). Cytogenetic location: 3p14.1.
Variant type: single nucleotide variant.
Coding change: c.1673A>C on transcript NM_198271.5 (MANE Select); coding-DNA position 1673, A replaced by C.
Protein change: p.Glu558Ala; replaces glutamic acid 558 with alanine.
Molecular consequence: missense variant.
Genome position (GRCh38, 1-based): chr3:69,109,105, T>G on the plus strand (A>C on the coding strand, the complement: LMOD3 is on the minus strand). VCF-style: chr3-69109105-T-G. GRCh37 (hg19) VCF-style: chr3-69158256-T-G.
Other names: c.1673A>C, p.Glu558Ala (NM_001304418.3); c.1673A>C (NM_198271.3); short protein forms E558A.
Identifiers: ClinVar variation 1406409 (VCV001406409.6), dbSNP rs562551827, ClinGen allele CA76441069.